The following is an entry in ClinVar:

NM_000179.3(MSH6):c.873_874del (p.Asn291fs)

Gene: MSH6 (mutS homolog 6; plus strand). Cytogenetic location: 2p16.3.
Variant type: Deletion.
Coding change: c.873_874del on transcript NM_000179.3 (MANE Select); coding-DNA positions 873 to 874, 2 bases deleted (CA; older notation c.873_874delCA).
Protein change: p.Asn291fs; shifts the reading frame from asparagine 291.
Molecular consequence: frameshift variant. On other transcripts: 5 prime UTR variant (2).
Genome position (GRCh38, 1-based): chr2:47,798,856-47,798,857, CA deleted; deleting any 2 consecutive bases within chr2:47,798,855-47,798,857 gives the same sequence; the c. name uses the placement nearest the transcript's 3' end. VCF-style (leftmost placement, unchanged base first): chr2-47798854-AAC-A. GRCh37 (hg19) VCF-style: chr2-48025993-AAC-A.
Other names: c.483_484del, p.Asn161fs (NM_001281492.2); c.-34_-33del (NM_001281493.2, NM_001281494.2); c.873_874delCA (NM_000179.2); short protein forms N161fs, N291fs.
Identifiers: ClinVar variation 410414 (VCV000410414.11), dbSNP rs1060502888, ClinGen allele CA16610929.

ClinVar aggregate classification (germline): Pathogenic. Review status: criteria provided, multiple submitters, no conflicts (2 of 4 stars). 3 submissions from 3 submitters: Pathogenic (3). Last evaluated 2024-08-10.

Conditions:
Hereditary nonpolyposis colorectal neoplasms. Identifiers: MedGen C0009405, MeSH D003123.
Lynch syndrome 5 (LYNCH5). Also called: Hereditary non-polyposis colorectal cancer, type 5; Colorectal cancer, hereditary nonpolyposis, type 5. Identifiers: Orphanet 144, MedGen C1833477, MONDO:0013710, OMIM 614350. Disease mechanism: loss of function.
Hereditary cancer-predisposing syndrome. Also called: Tumor predisposition; Hereditary Cancer Syndrome; Hereditary neoplastic syndrome; Neoplastic Syndromes, Hereditary. Identifiers: Orphanet 140162, MedGen C0027672, MeSH D009386, MONDO:0015356.

Submissions (3):

Ambry Genetics
Classification: Pathogenic for Hereditary cancer-predisposing syndrome. Last evaluated: 2024-08-10. Review status: criteria provided, single submitter. Criteria: Ambry Variant Classification Scheme 2023. Collection method: clinical testing. Allele origin: germline.
Comment: The c.873_874delCA pathogenic mutation, located in coding exon 4 of the MSH6 gene, results from a deletion of two nucleotides at nucleotide positions 873 to 874, causing a translational frameshift with a predicted alternate stop codon (p.N291Kfs*20). This variant was reported in an individual with features consistent with Lynch syndrome and a tumor demonstrating loss of MSH6 expression by immunohistochemistry (Kang SY et al. Int J Cancer, 2015 Apr;136:1568-78). Of note, this variant is also designated as c.872_873delAC in the published literature. This variant is considered to be rare based on population cohorts in the Genome Aggregation Database (gnomAD). In addition to the clinical data presented in the literature, this alteration is expected to result in loss of function by premature protein truncation or nonsense-mediated mRNA decay. As such, this alteration is interpreted as a disease-causing mutation.

Labcorp Genetics (formerly Invitae), Labcorp
Classification: Pathogenic for Hereditary nonpolyposis colorectal neoplasms. Last evaluated: 2024-02-22. Review status: criteria provided, single submitter. Criteria: Invitae Variant Classification Sherloc (09022015). Collection method: clinical testing. Allele origin: germline.
Comment: This sequence change creates a premature translational stop signal (p.Asn291Lysfs*20) in the MSH6 gene. It is expected to result in an absent or disrupted protein product. Loss-of-function variants in MSH6 are known to be pathogenic (PMID: 18269114, 24362816). This variant is not present in population databases (gnomAD no frequency). This premature translational stop signal has been observed in individual(s) with Lynch syndrome (PMID: 25110875). This variant is also known as c.872_873delAC. ClinVar contains an entry for this variant (Variation ID: 410414). For these reasons, this variant has been classified as Pathogenic.

Myriad Genetics, Inc.
Classification: Pathogenic for Lynch syndrome 5. Last evaluated: 2023-08-11. Review status: criteria provided, single submitter. Criteria: Myriad Autosomal Dominant, Autosomal Recessive and X-Linked Classification Criteria (2023). Collection method: clinical testing. Allele origin: unknown.
Comment: This variant is considered pathogenic. This variant creates a frameshift predicted to result in premature protein truncation.

Literature cited by the submitters: PubMed 25110875 (cited by Ambry Genetics and Labcorp Genetics (formerly Invitae), Labcorp); PubMed 18269114 (cited by Labcorp Genetics (formerly Invitae), Labcorp); PubMed 24362816 (cited by Labcorp Genetics (formerly Invitae), Labcorp).